The following is an entry in ClinVar:

ClinVar aggregate classification (germline): Pathogenic/Likely pathogenic. Review status: criteria provided, multiple submitters, no conflicts (2 of 4 stars). 2 submissions from 2 submitters: Pathogenic (1); Likely pathogenic (1). Last evaluated 2025-10-16.

Conditions:
Von Hippel-Lindau syndrome (VHLS). Also called: Von Hippel-Lindau; VHL syndrome; von Hippel–Lindau syndrome. Identifiers: Orphanet 892, MedGen C0019562, MONDO:0008667, OMIM 193300. Disease mechanism: loss of function.
Chuvash polycythemia. Also called: POLYCYTHEMIA, VHL-DEPENDENT. Identifiers: Orphanet 238557, MedGen C1837915, MONDO:0009892, OMIM 263400.
Hereditary cancer-predisposing syndrome. Also called: Neoplastic Syndromes, Hereditary; Hereditary Cancer Syndrome; Tumor predisposition; Hereditary neoplastic syndrome. Identifiers: Orphanet 140162, MedGen C0027672, MeSH D009386, MONDO:0015356.

Submissions (2):

Ambry Genetics
Classification: Pathogenic for Hereditary cancer-predisposing syndrome. Last evaluated: 2025-10-16. Review status: criteria provided, single submitter. Criteria: Ambry Variant Classification Scheme 2023. Collection method: clinical testing. Allele origin: germline.
Comment: The c.278_279delGCinsTT pathogenic mutation, located in coding exon 1 of the VHL gene, results from an in-frame deletion of GC and insertion of TT at nucleotide positions 278 to 279. This results in the substitution of the glycine residue for a valine residue at codon 93, an amino acid with dissimilar properties. This variant was reported in individual(s) with features consistent with von Hippel-Lindau syndrome (Ambry internal data). This variant was determined to be functionally deleterious in one saturation genome editing assay (Buckley M et al. Nat Genet, 2024 Jul;56:1446-1455). Other variant(s) at the same codon, p.G93S (c.277G>A), have been identified in individual(s) with features consistent with von Hippel-Lindau syndrome (Zbar B et al. Hum Mutat. 1996;8(4):348-57; Neumann HP et al. N Engl J Med. 2002 May 9;346(19):1459-66). This variant is considered to be rare based on population cohorts in the Genome Aggregation Database (gnomAD). This amino acid position is highly conserved in available vertebrate species. In addition, this alteration is predicted to be deleterious by in silico analysis. Based on the supporting evidence, this alteration is interpreted as a disease-causing mutation.

Labcorp Genetics (formerly Invitae), Labcorp
Classification: Likely pathogenic for Von Hippel-Lindau syndrome; Chuvash polycythemia. Last evaluated: 2020-11-14. Review status: criteria provided, single submitter. Criteria: Invitae Variant Classification Sherloc (09022015). Collection method: clinical testing. Allele origin: germline.
Comment: In summary, the currently available evidence indicates that the variant is pathogenic, but additional data are needed to prove that conclusively. Therefore, this variant has been classified as Likely Pathogenic. A different missense substitution at this codon (p.Gly93Ser) has been determined to be pathogenic (PMID: 11409863, 12000816, 8707293, 22136840, 17922902). This suggests that the glycine residue is critical for VHL protein function and that other missense substitutions at this position may also be pathogenic. Algorithms developed to predict the effect of missense changes on protein structure and function do not agree on the potential impact of this missense change (SIFT: "Deleterious"; PolyPhen-2: "Probably Damaging"; Align-GVGD: "Class C0"). This missense change has been observed in individual(s) with clinical features of von Hippel-Lindau syndrome (PMID: 10095351, 12000816, Invitae, external communication). ClinVar contains an entry for this variant (Variation ID: 583075). This variant is not present in population databases (ExAC no frequency). This sequence change replaces glycine with valine at codon 93 of the VHL protein (p.Gly93Val). The glycine residue is highly conserved and there is a moderate physicochemical difference between glycine and valine.

Literature cited by the submitters: PubMed 10095351 (cited by Ambry Genetics and Labcorp Genetics (formerly Invitae), Labcorp); PubMed 11409863 (cited by Ambry Genetics and Labcorp Genetics (formerly Invitae), Labcorp); PubMed 12000816 (cited by Ambry Genetics and Labcorp Genetics (formerly Invitae), Labcorp); PubMed 17922902 (cited by Ambry Genetics and Labcorp Genetics (formerly Invitae), Labcorp); PubMed 20151405 (cited by Ambry Genetics); PubMed 22136840 (cited by Ambry Genetics and Labcorp Genetics (formerly Invitae), Labcorp); PubMed 38969834 (cited by Ambry Genetics); PubMed 7728151 (cited by Ambry Genetics); PubMed 8707293 (cited by Ambry Genetics and Labcorp Genetics (formerly Invitae), Labcorp); PubMed 8956040 (cited by Ambry Genetics).

NM_000551.4(VHL):c.278_279delinsTT (p.Gly93Val)

Gene: VHL (von Hippel-Lindau tumor suppressor; plus strand). Cytogenetic location: 3p25.3.
Variant type: Indel.
Coding change: c.278_279delinsTT on transcript NM_000551.4 (MANE Select); coding-DNA positions 278 to 279, GC replaced by TT.
Protein change: p.Gly93Val; replaces glycine 93 with valine.
Molecular consequence: missense variant.
Genome position (GRCh38, 1-based): chr3:10,142,125-10,142,126, GC replaced by TT. VCF-style: chr3-10142125-GC-TT. GRCh37 (hg19) VCF-style: chr3-10183809-GC-TT.
Other names: c.278_279delinsTT, p.Gly93Val (NM_001354723.2, NM_198156.3); c.278_279delGCinsTT (NM_000551.3); short protein forms G93V.
Identifiers: ClinVar variation 583075 (VCV000583075.12), dbSNP rs1559426072, ClinGen allele CA891843322.